The following is an entry in ClinVar:

NM_005956.4(MTHFD1):c.1996+1G>A

Gene: MTHFD1 (methylenetetrahydrofolate dehydrogenase, cyclohydrolase and formyltetrahydrofolate synthetase 1; plus strand). Cytogenetic location: 14q23.3.
Variant type: single nucleotide variant.
Coding change: c.1996+1G>A on transcript NM_005956.4 (MANE Select); the canonical splice donor site of the intron after coding-DNA position 1996, G replaced by A.
Molecular consequence: splice donor variant.
Genome position (GRCh38, 1-based): chr14:64,442,166, G>A. VCF-style: chr14-64442166-G-A. GRCh37 (hg19) VCF-style: chr14-64908884-G-A.
Other names: c.1996+1G>A (NM_001364837.1).
Identifiers: ClinVar variation 2908283 (VCV002908283.3), dbSNP rs2550504926, ClinGen allele CA389998959.
Genomic context (GRCh38, chr14:64,442,166, plus strand): 5'-ATTCCTCCATCATTGCAGACCGGATCGCACTCAAGCTTGTTGGCCCAGAAGGGTTTGTAG[G>A]TTAGTGTTTTTTGCAAAACCAGTGAATAGACTGTATGTTTCTTTTAACATCAGGGGAATT-3'

ClinVar aggregate classification (germline): Likely pathogenic (1 of 4 stars; one submission).

Submission:

Labcorp Genetics (formerly Invitae), Labcorp
Classification: Likely pathogenic. Last evaluated: 2026-01-28. Review status: criteria provided, single submitter. Criteria: Invitae Variant Classification Sherloc (09022015). Collection method: clinical testing. Allele origin: germline.
Comment: This sequence change affects a donor splice site in intron 20 of the MTHFD1 gene. It is expected to disrupt RNA splicing. Variants that disrupt the donor or acceptor splice site typically lead to a loss of protein function (PMID: 16199547), and loss-of-function variants in MTHFD1 are known to be pathogenic (PMID: 21813566, 25633902). This variant is not present in population databases (gnomAD no frequency). This variant has not been reported in the literature in individuals affected with MTHFD1-related conditions. ClinVar contains an entry for this variant (Variation ID: 2908283). Algorithms developed to predict the effect of sequence changes on RNA splicing suggest that this variant may disrupt the consensus splice site. In summary, the currently available evidence indicates that the variant is pathogenic, but additional data are needed to prove that conclusively. Therefore, this variant has been classified as Likely Pathogenic.

Literature cited by the submitters: PubMed 16199547; PubMed 21813566; PubMed 25633902.